The following is an entry in ClinVar:

ClinVar aggregate classification (germline): Likely benign. Review status: reviewed by expert panel (3 of 4 stars). 9 submissions from 8 submitters: Likely benign (1). 8 of the submissions do not count toward it. Last evaluated 2017-06-29.

Conditions:
BRCA2-related disorder. Also called: BRCA2-related condition; BRCA2-related disorders. Identifiers: MedGen CN239275.
Hereditary cancer-predisposing syndrome. Also called: Tumor predisposition; Neoplastic Syndromes, Hereditary; Hereditary neoplastic syndrome; Hereditary Cancer Syndrome. Identifiers: Orphanet 140162, MedGen C0027672, MeSH D009386, MONDO:0015356.
Hereditary breast ovarian cancer syndrome. Also called: Hereditary breast and ovarian cancer syndrome; Hereditary breast and ovarian cancer syndrome (HBOC); Hereditary breast and ovarian cancer; Breast and ovarian cancer; BRCA1- and BRCA2-Associated Hereditary Breast and Ovarian Cancer; Hereditary breast and/or ovarian cancer syndrome. Identifiers: Orphanet 145, MedGen C0677776, MeSH D061325, MONDO:0003582. Disease mechanism: loss of function.
Breast-ovarian cancer, familial, susceptibility to, 2 (BROVCA2). Also called: BRCA2 Hereditary Breast and Ovarian Cancer. Identifiers: Orphanet 145, MedGen C2675520, MONDO:0012933, OMIM 612555. Disease mechanism: loss of function.
Familial cancer of breast. Also called: BREAST CANCER, FAMILIAL; hereditary breast carcinoma; Hereditary breast cancer. Identifiers: Orphanet 227535, MedGen C0346153, MONDO:0016419, OMIM 114480. Disease mechanism: loss of function.

Allele frequency attached by ClinVar (database versions not stated): gnomAD exomes 0.00001; TOPMed 0.00001.
gnomAD v4.1: 13 of 1,614,154 alleles (0.00081%); highest among the groups gnomAD compares: Middle Eastern, 0.033%; 1 homozygote.

Submissions (9):

Evidence-based Network for the Interpretation of Germline Mutant Alleles (ENIGMA)
Classification: Likely benign for Breast-ovarian cancer, familial, susceptibility to, 2. Last evaluated: 2017-06-29. Review status: reviewed by expert panel. Criteria: ENIGMA BRCA1/2 Classification Criteria (2017-06-29). Collection method: curation. Allele origin: germline.
Comment: Synonymous substitution variant, with low bioinformatic likelihood to result in a splicing aberration (Splicing prior probability 0.02).

Labcorp Genetics (formerly Invitae), Labcorp
Classification: Likely benign for Hereditary breast ovarian cancer syndrome. Last evaluated: 2025-08-13. Review status: criteria provided, single submitter. Criteria: Invitae Variant Classification Sherloc (09022015). Collection method: clinical testing. Allele origin: germline. Not counted in ClinVar's aggregate classification.

KCCC/NGS Laboratory, Kuwait Cancer Control Center
Classification: Benign for Familial cancer of breast. Last evaluated: 2025-02-01. Review status: criteria provided, single submitter. Criteria: ACMG Guidelines, 2015. Collection method: clinical testing. Allele origin: germline. Affected: no. Not counted in ClinVar's aggregate classification.

KCCC/NGS Laboratory, Kuwait Cancer Control Center
Classification: Likely benign for Breast-ovarian cancer, familial, susceptibility to, 2. Last evaluated: 2023-07-07. Review status: criteria provided, single submitter. Criteria: ACMG Guidelines, 2015. Collection method: clinical testing. Allele origin: germline. Affected: yes. Not counted in ClinVar's aggregate classification.

Blueprint Genetics
Classification: Likely benign. Last evaluated: 2022-05-10. Review status: criteria provided, single submitter. Criteria: ACMG Guidelines, 2015. Collection method: clinical testing. Allele origin: germline. Not counted in ClinVar's aggregate classification.

GeneDx
Classification: Likely benign. Last evaluated: 2018-06-25. Review status: criteria provided, single submitter. Criteria: GeneDx Variant Classification Process June 2021. Collection method: clinical testing. Allele origin: germline. Affected: yes. Not counted in ClinVar's aggregate classification.
Comment: This variant is associated with the following publications: (PMID: 16939956, 12655560)

Color Diagnostics, LLC DBA Color Health
Classification: Likely benign for Hereditary cancer-predisposing syndrome. Last evaluated: 2018-03-19. Review status: criteria provided, single submitter. Criteria: ACMG Guidelines, 2015. Collection method: clinical testing. Allele origin: germline. Not counted in ClinVar's aggregate classification.

Ambry Genetics
Classification: Likely benign for Hereditary cancer-predisposing syndrome. Last evaluated: 2015-03-25. Review status: criteria provided, single submitter. Criteria: Ambry Variant Classification Scheme 2023. Collection method: clinical testing. Allele origin: germline. Not counted in ClinVar's aggregate classification.

PreventionGenetics, part of Exact Sciences
Classification: Likely benign for BRCA2-related condition. Last evaluated: 2023-12-27. Review status: no assertion criteria provided. Collection method: clinical testing. Allele origin: germline. Not counted in ClinVar's aggregate classification.
Comment: This variant is classified as likely benign based on ACMG/AMP sequence variant interpretation guidelines (Richards et al. 2015 PMID: 25741868, with internal and published modifications).

NM_000059.4(BRCA2):c.27A>G (p.Pro9=)

Gene: BRCA2 (BRCA2 DNA repair associated; plus strand). Cytogenetic location: 13q13.1.
Variant type: single nucleotide variant.
Coding change: c.27A>G on transcript NM_000059.4 (MANE Select); coding-DNA position 27, A replaced by G.
Protein change: p.Pro9=; no amino-acid change (proline 9 retained).
Molecular consequence: synonymous variant.
Genome position (GRCh38, 1-based): chr13:32,316,487, A>G. VCF-style: chr13-32316487-A-G. GRCh37 (hg19) VCF-style: chr13-32890624-A-G.
Identifiers: ClinVar variation 184405 (VCV000184405.26), dbSNP rs786201444, ClinGen allele CA016401.
Genomic context (GRCh38, chr13:32,316,487, plus strand): 5'-TTTACCAAGCATTGGAGGAATATCGTAGGTAAAAATGCCTATTGGATCCAAAGAGAGGCC[A>G]ACATTTTTTGAAATTTTTAAGACACGCTGCAACAAAGCAGGTATTGACAAATTTTATATA-3'
Protein context (NP_000050.3, residues 1-19): MPIGSKER[Pro9=]TFFEIFKTRC